The following is an entry in ClinVar:

ClinVar aggregate classification (germline): Uncertain significance. Review status: criteria provided, multiple submitters, no conflicts (2 of 4 stars). 3 submissions from 3 submitters: Uncertain significance (3). Last evaluated 2025-11-20.

Conditions:
NCAPD3-related disorder. Also called: NCAPD3-related condition.

Allele frequency attached by ClinVar (database versions not stated): ExAC 0.00001; gnomAD 0.00001.
gnomAD v4.1: 6 of 1,613,886 alleles (0.00037%); highest among the groups gnomAD compares: Admixed American, 0.0033%; no homozygotes.

Submissions (4):

Ambry Genetics
Classification: Uncertain significance. Last evaluated: 2025-11-20. Review status: criteria provided, single submitter. Criteria: Ambry Variant Classification Scheme 2023. Collection method: clinical testing. Allele origin: germline.

PreventionGenetics, part of Exact Sciences
Classification: Uncertain significance for NCAPD3-related condition. Last evaluated: 2022-08-29. Review status: criteria provided, single submitter. Criteria: ACMG Guidelines, 2015. Collection method: clinical testing. Allele origin: germline.
Comment: The NCAPD3 c.663G>T variant is predicted to result in the amino acid substitution p.Lys221Asn. To our knowledge, this variant has not been reported in the literature. This variant is reported in 0.0029% of alleles in individuals of Latino descent in gnomAD. At this time, the clinical significance of this variant is uncertain due to the absence of conclusive functional and genetic evidence.

Breakthrough Genomics
Classification: Uncertain significance. Review status: criteria provided, single submitter. Criteria: ACMG Guidelines, 2015. Collection method: not provided. Allele origin: germline. Inheritance: Autosomal recessive inheritance. Affected: yes.

Dr. Peter K. Rogan Lab, Western University
No classification provided (evidence only). Condition: Adrenocortical carcinoma, hereditary. Review status: no classification provided. Collection method: in vitro. Allele origin: not applicable. Functional consequence: retained intron. Not counted in ClinVar's aggregate classification.

NM_015261.3(NCAPD3):c.663G>T (p.Lys221Asn)

Gene: NCAPD3 (non-SMC condensin II complex subunit D3; minus strand). Cytogenetic location: 11q25.
Variant type: single nucleotide variant.
Coding change: c.663G>T on transcript NM_015261.3 (MANE Select); coding-DNA position 663, G replaced by T.
Protein change: p.Lys221Asn; replaces lysine 221 with asparagine.
Molecular consequence: missense variant.
Genome position (GRCh38, 1-based): chr11:134,209,382, C>A on the plus strand (G>T on the coding strand, the complement: NCAPD3 is on the minus strand). VCF-style: chr11-134209382-C-A. GRCh37 (hg19) VCF-style: chr11-134079276-C-A.
Other names: NC_000011.9:g.134079276C>A; c.663G>T, p.Lys221Asn (NM_001372065.1, NM_001372068.1); c.249G>T, p.Lys83Asn (NM_001372069.1, NM_001372070.1); short protein forms K221N, K83N.
Identifiers: ClinVar variation 2636644 (VCV002636644.4), dbSNP rs747906896, ClinGen allele CA6371938.